The following is an entry in ClinVar:

ClinVar aggregate classification (germline): Conflicting classifications of pathogenicity. Review status: criteria provided, conflicting classifications (1 of 4 stars). 7 submissions from 7 submitters: Uncertain significance (2); Likely benign (5). Last evaluated 2026-03-25.

Conditions:
TSPEAR-related disorder. Also called: TSPEAR-related condition.

Allele frequency attached by ClinVar (database versions not stated): 1000 Genomes Project 30x 0.00031; 1000 Genomes Project 0.00040; TOPMed 0.00043; ESP Exome Variant Server 0.00077; gnomAD 0.00089 and 0.00093; gnomAD exomes 0.00114; ExAC 0.00140.
gnomAD v4.1: 1,198 of 1,605,370 alleles (0.075%); highest among the groups gnomAD compares: Non-Finnish European, 0.074%; 2 homozygotes.

Submissions (7):

PreventionGenetics, part of Exact Sciences
Classification: Likely benign for TSPEAR-related condition. Last evaluated: 2026-03-25. Review status: criteria provided, single submitter. Criteria: ACMG Guidelines, 2015. Collection method: clinical testing. Allele origin: germline.
Comment: This variant is classified as likely benign based on ACMG/AMP sequence variant interpretation guidelines (Richards et al. 2015 PMID: 25741868, with internal and published modifications).

CeGaT Center for Human Genetics Tuebingen
Classification: Likely benign. Last evaluated: 2026-03-01. Review status: criteria provided, single submitter. Criteria: CeGaT Center For Human Genetics Tuebingen Variant Classification Criteria Version 2. Collection method: clinical testing. Allele origin: germline. Affected: yes. Observed: 2 variant alleles.
Comment: TSPEAR: BP4

Labcorp Genetics (formerly Invitae), Labcorp
Classification: Likely benign. Last evaluated: 2026-01-14. Review status: criteria provided, single submitter. Criteria: Invitae Variant Classification Sherloc (09022015). Collection method: clinical testing. Allele origin: germline.

Blueprint Genetics
Classification: Uncertain significance. Last evaluated: 2024-11-20. Review status: criteria provided, single submitter. Criteria: ACMG Guidelines, 2015. Collection method: clinical testing. Allele origin: germline.

GeneDx
Classification: Likely benign. Last evaluated: 2020-10-20. Review status: criteria provided, single submitter. Criteria: GeneDx Variant Classification Process June 2021. Collection method: clinical testing. Allele origin: germline. Affected: yes.

Laboratory for Molecular Medicine, Mass General Brigham Personalized Medicine
Classification: Likely benign. Last evaluated: 2016-01-27. Review status: criteria provided, single submitter. Criteria: LMM Criteria. Collection method: clinical testing. Allele origin: germline. Observed: 1 variant allele.
Comment: p.Arg57Trp in exon 2 of TSPEAR: This variant is not expected to have clinical si gnificance because it has been identified in 0.5% (32/6606) of Finnish chromosom es and 0.2% (126/65650) of European chromosomes by the Exome Aggregation Consort ium (ExAC; dbSNP rs140542643).

Genomic Diagnostic Laboratory, Division of Genomic Diagnostics, Children's Hospital of Philadelphia
Classification: Uncertain significance. Last evaluated: 2015-10-30. Review status: criteria provided, single submitter. Criteria: DGD Variant Analysis Guidelines. Collection method: clinical testing. Allele origin: unknown.

NM_144991.3(TSPEAR):c.169C>T (p.Arg57Trp)

Gene: TSPEAR (thrombospondin type laminin G domain and EAR repeats; minus strand). Cytogenetic location: 21q22.3.
Variant type: single nucleotide variant.
Coding change: c.169C>T on transcript NM_144991.3 (MANE Select); coding-DNA position 169, C replaced by T.
Protein change: p.Arg57Trp; replaces arginine 57 with tryptophan.
Molecular consequence: missense variant. On other transcripts: 5 prime UTR variant (1).
Genome position (GRCh38, 1-based): chr21:44,567,919, G>A on the plus strand (C>T on the coding strand, the complement: TSPEAR is on the minus strand). VCF-style: chr21-44567919-G-A. GRCh37 (hg19) VCF-style: chr21-45987803-G-A.
Other names: c.-36C>T (NM_001272037.2); short protein forms R57W.
Identifiers: ClinVar variation 228049 (VCV000228049.25), dbSNP rs140542643, ClinGen allele CA10058074.